The following is an entry in ClinVar:

ClinVar aggregate classification (germline): Pathogenic/Likely pathogenic. Review status: criteria provided, multiple submitters, no conflicts (2 of 4 stars). 2 submissions from 2 submitters: Pathogenic (1); Likely pathogenic (1). Last evaluated 2022-01-25.

Conditions:
Autosomal dominant Alport syndrome (ATS3A). Also called: Alport syndrome dominant type; Renal failure and sensorineural hearing loss; ALPORT SYNDROME 3A, AUTOSOMAL DOMINANT. Identifiers: Orphanet 63, Orphanet 88918, MedGen C5882663, MONDO:0007086, OMIM 104200.
Autosomal recessive Alport syndrome (ATS2). Also called: COL4A4 Alport Syndrome and Thin Basement Membrane Nephropathy; Alport syndrome type 2; COL4A3-Related Nephropathy; ALPORT SYNDROME 2, AUTOSOMAL RECESSIVE. Identifiers: Orphanet 63, Orphanet 88919, MedGen C4746745, MONDO:0008762, OMIM 203780.
Benign familial hematuria. Also called: thin basement membrane disease. Identifiers: MedGen C0241908, MONDO:0957317.

gnomAD v4.1: 1 of 1,614,116 alleles (0.000062%); highest among the groups gnomAD compares: Non-Finnish European, 0.000085%; no homozygotes.

Submissions (2):

Fulgent Genetics
Classification: Pathogenic for Autosomal dominant Alport syndrome; Hematuria, benign familial, 1; Autosomal recessive Alport syndrome. Last evaluated: 2022-01-25. Review status: criteria provided, single submitter. Criteria: ACMG Guidelines, 2015. Collection method: clinical testing. Allele origin: unknown.

Labcorp Genetics (formerly Invitae), Labcorp
Classification: Likely pathogenic. Last evaluated: 2021-08-04. Review status: criteria provided, single submitter. Criteria: Invitae Variant Classification Sherloc (09022015). Collection method: clinical testing. Allele origin: germline.
Comment: This variant is not present in population databases (ExAC no frequency). This sequence change replaces glycine with valine at codon 777 of the COL4A3 protein (p.Gly777Val). The glycine residue is highly conserved and there is a moderate physicochemical difference between glycine and valine. This variant has been observed in individual(s) with clinical features of Alport syndrome (Invitae). Advanced modeling of protein sequence and biophysical properties (such as structural, functional, and spatial information, amino acid conservation, physicochemical variation, residue mobility, and thermodynamic stability) performed at Invitae indicates that this missense variant is expected to disrupt COL4A3 protein function. This variant disrupts the p.Gly777 amino acid residue in COL4A3. Other variant(s) that disrupt this residue have been determined to be pathogenic (PMID: 27904025, 26633401). This suggests that this residue is clinically significant, and that variants that disrupt this residue are likely to be disease-causing. In summary, the currently available evidence indicates that the variant is pathogenic, but additional data are needed to prove that conclusively. Therefore, this variant has been classified as Likely Pathogenic.

Literature cited by the submitters: PubMed 27904025 (cited by Labcorp Genetics (formerly Invitae), Labcorp); PubMed 26633401 (cited by Labcorp Genetics (formerly Invitae), Labcorp).

NM_000091.5(COL4A3):c.2330G>T (p.Gly777Val)

Genes: COL4A3 (collagen type IV alpha 3 chain; plus strand), MFF-DT (MFF divergent transcript; minus strand). Cytogenetic location: 2q36.3.
Variant type: single nucleotide variant.
Coding change: c.2330G>T on transcript NM_000091.5 (MANE Select); coding-DNA position 2330, G replaced by T.
Protein change: p.Gly777Val; replaces glycine 777 with valine.
Molecular consequence: missense variant.
Genome position (GRCh38, 1-based): chr2:227,280,546, G>T. VCF-style: chr2-227280546-G-T. GRCh37 (hg19) VCF-style: chr2-228145262-G-T.
Other names: short protein forms G777V.
Identifiers: ClinVar variation 1512833 (VCV001512833.9), dbSNP rs2106151987, ClinGen allele CA350849251.